The following is an entry in ClinVar:

ClinVar aggregate classification (germline): Pathogenic (1 of 4 stars; one submission).

Conditions:
Idiopathic Pulmonary Fibrosis. Also called: Idiopathic fibrosing alveolitis, chronic form; idiopathic fibrosing alveolitis. Identifiers: Orphanet 2032, MedGen C1800706, MeSH D054990, MONDO:0800504.
Dyskeratosis congenita, autosomal dominant 2. Identifiers: MedGen C3151443, MONDO:0013521, OMIM 613989.

Submission:

Labcorp Genetics (formerly Invitae), Labcorp
Classification: Pathogenic for Dyskeratosis congenita, autosomal dominant 2; Idiopathic Pulmonary Fibrosis. Last evaluated: 2019-09-23. Review status: criteria provided, single submitter. Criteria: Invitae Variant Classification Sherloc (09022015). Collection method: clinical testing. Allele origin: germline.
Comment: For these reasons, this variant has been classified as Pathogenic. Loss-of-function variants in TERT are known to be pathogenic (PMID: 16247010, 17460043). This variant has not been reported in the literature in individuals with TERT-related conditions. The frequency data for this variant in the population databases is considered unreliable, as metrics indicate insufficient coverage at this position in the ExAC database. This sequence change creates a premature translational stop signal (p.Cys54*) in the TERT gene. It is expected to result in an absent or disrupted protein product.

Literature cited by the submitters: PubMed 16247010; PubMed 17460043.

NM_198253.3(TERT):c.162C>A (p.Cys54Ter)

Genes: TERT (telomerase reverse transcriptase; minus strand), LOC110806263 (TERT 5' regulatory region; plus strand). Cytogenetic location: 5p15.33.
Variant type: single nucleotide variant.
Coding change: c.162C>A on transcript NM_198253.3 (MANE Select); coding-DNA position 162, C replaced by A.
Protein change: p.Cys54Ter; replaces cysteine 54 with a stop codon.
Molecular consequence: nonsense. On other transcripts: non-coding transcript variant (2).
Genome position (GRCh38, 1-based): chr5:1,294,828, G>T on the plus strand (C>A on the coding strand, the complement: TERT is on the minus strand). VCF-style: chr5-1294828-G-T. GRCh37 (hg19) VCF-style: chr5-1294943-G-T.
Other names: c.162C>A, p.Cys54Ter (NM_001193376.3); short protein forms C54*.
Identifiers: ClinVar variation 957034 (VCV000957034.8), dbSNP rs1751289309, ClinGen allele CA359058985.